The following is an entry in ClinVar:

ClinVar aggregate classification (germline): Uncertain significance (1 of 4 stars; one submission).

Submission:

Labcorp Genetics (formerly Invitae), Labcorp
Classification: Uncertain significance. Last evaluated: 2024-12-16. Review status: criteria provided, single submitter. Criteria: Invitae Variant Classification Sherloc (09022015). Collection method: clinical testing. Allele origin: germline.
Comment: This sequence change replaces proline, which is neutral and non-polar, with glutamine, which is neutral and polar, at codon 1074 of the PCARE protein (p.Pro1074Gln). This variant is not present in population databases (gnomAD no frequency). This variant has not been reported in the literature in individuals affected with PCARE-related conditions. ClinVar contains an entry for this variant (Variation ID: 1350936). An algorithm developed to predict the effect of missense changes on protein structure and function (PolyPhen-2) suggests that this variant is likely to be disruptive. In summary, the available evidence is currently insufficient to determine the role of this variant in disease. Therefore, it has been classified as a Variant of Uncertain Significance.

NM_001029883.3(PCARE):c.3221C>A (p.Pro1074Gln)

Gene: PCARE (photoreceptor cilium actin regulator; minus strand). Cytogenetic location: 2p23.2.
Variant type: single nucleotide variant.
Coding change: c.3221C>A on transcript NM_001029883.3 (MANE Select); coding-DNA position 3221, C replaced by A.
Protein change: p.Pro1074Gln; replaces proline 1074 with glutamine.
Molecular consequence: missense variant.
Genome position (GRCh38, 1-based): chr2:29,071,041, G>T on the plus strand (C>A on the coding strand, the complement: PCARE is on the minus strand). VCF-style: chr2-29071041-G-T. GRCh37 (hg19) VCF-style: chr2-29293907-G-T.
Other names: short protein forms P1074Q.
Identifiers: ClinVar variation 1350936 (VCV001350936.6), dbSNP rs2148415007, ClinGen allele CA346475566.